The following is an entry in ClinVar:

NM_001267550.2(TTN):c.60812C>G (p.Pro20271Arg)

Genes: TTN (titin; minus strand), TTN-AS1 (TTN antisense RNA 1; plus strand). Cytogenetic location: 2q31.2.
Variant type: single nucleotide variant.
Coding change: c.60812C>G on transcript NM_001267550.2 (MANE Select); coding-DNA position 60812, C replaced by G.
Protein change: p.Pro20271Arg; replaces proline 20271 with arginine.
Molecular consequence: missense variant.
Genome position (GRCh38, 1-based): chr2:178,590,913, G>C on the plus strand (C>G on the coding strand, the complement: TTN is on the minus strand). VCF-style: chr2-178590913-G-C. GRCh37 (hg19) VCF-style: chr2-179455640-G-C.
Other names: c.55889C>G, p.Pro18630Arg (NM_001256850.1); c.33617C>G, p.Pro11206Arg (NM_003319.4); c.53108C>G, p.Pro17703Arg (NM_133378.4); c.33992C>G, p.Pro11331Arg (NM_133432.3); c.34193C>G, p.Pro11398Arg (NM_133437.4); short protein forms P11206R, P11398R, P20271R, P11331R, P18630R, P17703R.
Identifiers: ClinVar variation 1730618 (VCV001730618.5), dbSNP rs367633145, ClinGen allele CA1992444.

ClinVar aggregate classification (germline): Uncertain significance. Review status: criteria provided, multiple submitters, no conflicts (2 of 4 stars). 2 submissions from 2 submitters: Uncertain significance (2). Last evaluated 2020-10-08.

Conditions:
Cardiovascular phenotype. Identifiers: MedGen CN230736.

Allele frequency attached by ClinVar (database versions not stated): ExAC 0.00001; gnomAD 0.00001; TOPMed 0.00002; ESP Exome Variant Server 0.00008.
gnomAD v4.1: 3 of 1,612,570 alleles (0.00019%); highest among the groups gnomAD compares: African/African-American, 0.0027%; no homozygotes.

Submissions (2):

Revvity Omics, Revvity
Classification: Uncertain significance. Last evaluated: 2020-10-08. Review status: criteria provided, single submitter. Criteria: ACMG Guidelines, 2015. Collection method: clinical testing. Allele origin: germline.

Ambry Genetics
Classification: Uncertain significance for Cardiovascular phenotype. Last evaluated: 2019-11-20. Review status: criteria provided, single submitter. Criteria: Ambry Variant Classification Scheme 2023. Collection method: clinical testing. Allele origin: germline.
Comment: The p.P11206R variant (also known as c.33617C>G), located in coding exon 131 of the TTN gene, results from a C to G substitution at nucleotide position 33617. The proline at codon 11206 is replaced by arginine, an amino acid with dissimilar properties. This amino acid position is well conserved in available vertebrate species. In addition, this alteration is predicted to be tolerated by in silico analysis. Since supporting evidence is limited at this time, the clinical significance of this alteration remains unclear.